The following is an entry in ClinVar:

ClinVar aggregate classification (germline): Likely pathogenic. Review status: reviewed by expert panel (3 of 4 stars). 3 submissions from 3 submitters: Likely pathogenic (1). 2 of the submissions do not count toward it. Last evaluated 2025-10-20.

Conditions:
Cardiovascular phenotype. Identifiers: MedGen CN230736.
Telangiectasia, hereditary hemorrhagic, type 2 (HHT2). Also called: ACVRL1-Related Hereditary Hemorrhagic Telangiectasia; Telangiectasia, hereditary hemorrhagic, type II. Identifiers: Orphanet 774, MedGen C1838163, MONDO:0010880, OMIM 600376. Disease mechanism: loss of function.

Submissions (3):

ClinGen Hereditary Hemorrhagic Telangiectasia Variant Curation Expert Panel, ClinGen
Classification: Likely pathogenic for Telangiectasia, hereditary hemorrhagic, type 2. Last evaluated: 2025-10-20. Review status: reviewed by expert panel. Criteria: ClinGen HHT ACMG Specifications ACVRL1 V1.1.0. Collection method: curation. Allele origin: germline. Inheritance: Autosomal dominant inheritance.
Comment: The NM_000020.3: c.151T>G variant in ACVRL1 is a missense variant predicted to cause substitution of cysteine by glycine at amino acid 51 (p.Cys51Gly). The computational predictor REVEL gives a score of 0.917 which is above the threshold of 0.644, evidence that correlates with impact to ACVRL1 function (PP3). This variant is absent from gnomAD v.2.1.1 (PM2_Supporting). Another missense variant c.152G>A (p.Cys51Tyr) (PMIDs: 10694922, 16429404, 23722869) in the same codon has been classified as pathogenic for Hereditary Hemorrhagic Telangiectasia by the ClinGen Hereditary Hemorrhagic Telangiectasia Variant Curation Expert Panel (PM5). This variant has been reported in 2 probands with a phenotype consistent with Hereditary Hemorrhagic Telangiectasia (PS4_Moderate, Ambry). In summary this variant meets the criteria to be classified as Likely Pathogenic for autosomal dominant hereditary hemorrhagic telangiectasia based on the ACMG/AMP criteria applied, as specified by the ClinGen Hereditary Hemorrhagic Telangiectasia Variant Curation Expert Panel: PM5, PS4_moderate, PM2_supporting, PP3 (specifications version 1.1.0; 10/20/2025).

Ambry Genetics
Classification: Likely pathogenic for Cardiovascular phenotype. Last evaluated: 2026-08-17. Review status: criteria provided, single submitter. Criteria: Ambry Variant Classification Scheme 2023. Collection method: clinical testing. Allele origin: germline. Not counted in ClinVar's aggregate classification.
Comment: The p.C51G variant (also known as c.151T>G), located in coding exon 2 of the ACVRL1 gene, results from a T to G substitution at nucleotide position 151. The cysteine at codon 51 is replaced by glycine, an amino acid with highly dissimilar properties. This variant was reported in individual(s) with features consistent with hereditary hemorrhagic telangiectasia (Ambry internal data). Based on internal structural analysis, this variant is anticipated to result in a decrease in structural stability, and is more disruptive than known pathogenic variants (Mahlawat P et al. Biochemistry, 2012 Aug;51:6328-41; Townson SA et al. J Biol Chem, 2012 Aug;287:27313-25). This amino acid position is well conserved in available vertebrate species. In addition, this alteration is predicted to be deleterious by in silico analysis. This variant is considered to be rare based on population cohorts in the Genome Aggregation Database (gnomAD). Based on the majority of available evidence to date, this variant is likely to be pathogenic.

Labcorp Genetics (formerly Invitae), Labcorp
Classification: Likely pathogenic for Telangiectasia, hereditary hemorrhagic, type 2. Last evaluated: 2023-05-08. Review status: criteria provided, single submitter. Criteria: Invitae Variant Classification Sherloc (09022015). Collection method: clinical testing. Allele origin: germline. Not counted in ClinVar's aggregate classification.
Comment: In summary, the currently available evidence indicates that the variant is pathogenic, but additional data are needed to prove that conclusively. Therefore, this variant has been classified as Likely Pathogenic. This variant disrupts the p.Cys51 amino acid residue in ACVRL1. Other variant(s) that disrupt this residue have been determined to be pathogenic (PMID: 10694922, 16429404, 23722869; Invitae). This suggests that this residue is clinically significant, and that variants that disrupt this residue are likely to be disease-causing. This variant affects a cysteine residue located within the ACVRL1 protein ectodomain. Cysteine residues in this domain of ACVRL1 are involved in the formation of disulfide bridges critical for protein structure and stability (PMID: 22028876, 22718755, 22799562). In addition, missense substitutions within the ACVRL1 ectodomain affecting cysteine residues are overrepresented in patients with HHT (PMID: 20501893, 26176610 and an online resource). Advanced modeling of protein sequence and biophysical properties (such as structural, functional, and spatial information, amino acid conservation, physicochemical variation, residue mobility, and thermodynamic stability) performed at Invitae indicates that this missense variant is expected to disrupt ACVRL1 protein function. ClinVar contains an entry for this variant (Variation ID: 1381345). This variant has not been reported in the literature in individuals affected with ACVRL1-related conditions. This variant is not present in population databases (gnomAD no frequency). This sequence change replaces cysteine, which is neutral and slightly polar, with glycine, which is neutral and non-polar, at codon 51 of the ACVRL1 protein (p.Cys51Gly).

Literature cited by the submitters: PubMed 22718755 (cited by Ambry Genetics and Labcorp Genetics (formerly Invitae), Labcorp); PubMed 22799562 (cited by Ambry Genetics and Labcorp Genetics (formerly Invitae), Labcorp); PubMed 10694922 (cited by Labcorp Genetics (formerly Invitae), Labcorp); PubMed 16429404 (cited by Labcorp Genetics (formerly Invitae), Labcorp); PubMed 23722869 (cited by Labcorp Genetics (formerly Invitae), Labcorp); PubMed 22028876 (cited by Labcorp Genetics (formerly Invitae), Labcorp); PubMed 20501893 (cited by Labcorp Genetics (formerly Invitae), Labcorp); PubMed 26176610 (cited by Labcorp Genetics (formerly Invitae), Labcorp).

NM_000020.3(ACVRL1):c.151T>G (p.Cys51Gly)

Gene: ACVRL1 (activin A receptor like type 1; plus strand). Cytogenetic location: 12q13.13.
Variant type: single nucleotide variant.
Coding change: c.151T>G on transcript NM_000020.3 (MANE Select); coding-DNA position 151, T replaced by G.
Protein change: p.Cys51Gly; replaces cysteine 51 with glycine.
Molecular consequence: missense variant.
Genome position (GRCh38, 1-based): chr12:51,913,188, T>G. VCF-style: chr12-51913188-T-G. GRCh37 (hg19) VCF-style: chr12-52306972-T-G.
Other names: NM_000020.3(ACVRL1):c.151T>G; p.Cys51Gly; c.151T>G, p.Cys51Gly (NM_001077401.2); short protein forms C51G.
Identifiers: ClinVar variation 1381345 (VCV001381345.9), dbSNP rs2139064874, ClinGen allele CA384897717.
Genomic context (GRCh38, chr12:51,913,188, plus strand): 5'-CTGGTGACCTGCACGTGTGAGAGCCCACATTGCAAGGGGCCTACCTGCCGGGGGGCCTGG[T>G]GCACAGTAGTGCTGGTGCGGGAGGAGGGGAGGCACCCCCAGGAACATCGGGGCTGCGGGA-3'
Protein context (NP_000011.2, residues 41-61): CKGPTCRGAW[Cys51Gly]TVVLVREEGR